The following is an entry in ClinVar:

NM_001081.4(CUBN):c.5677A>G (p.Arg1893Gly)

Gene: CUBN (cubilin; minus strand). Cytogenetic location: 10p13.
Variant type: single nucleotide variant.
Coding change: c.5677A>G on transcript NM_001081.4 (MANE Select); coding-DNA position 5677, A replaced by G.
Protein change: p.Arg1893Gly; replaces arginine 1893 with glycine.
Molecular consequence: missense variant.
Genome position (GRCh38, 1-based): chr10:16,939,019, T>C on the plus strand (A>G on the coding strand, the complement: CUBN is on the minus strand). VCF-style: chr10-16939019-T-C. GRCh37 (hg19) VCF-style: chr10-16981018-T-C.
Other names: short protein forms R1893G.
Identifiers: ClinVar variation 1972996 (VCV001972996.5), dbSNP rs1057224233, ClinGen allele CA203585054.

ClinVar aggregate classification (germline): Uncertain significance (1 of 4 stars; one submission).

Conditions:
Imerslund-Grasbeck syndrome. Also called: ENTEROCYTE COBALAMIN MALABSORPTION; ENTEROCYTE INTRINSIC FACTOR RECEPTOR, DEFECT OF; PERNICIOUS ANEMIA, JUVENILE, DUE TO SELECTIVE INTESTINAL MALABSORPTION OF VITAMIN B12, WITH PROTEINURIA; Imerslund-Gräsbeck syndrome; Megaloblastic anemia due to inborn errors of metabolism. Identifiers: Orphanet 35858, MedGen C4551825, MONDO:0009853.

Submission:

Labcorp Genetics (formerly Invitae), Labcorp
Classification: Uncertain significance for Imerslund-Grasbeck syndrome. Last evaluated: 2023-08-17. Review status: criteria provided, single submitter. Criteria: Invitae Variant Classification Sherloc (09022015). Collection method: clinical testing. Allele origin: germline.
Comment: This sequence change replaces arginine, which is basic and polar, with glycine, which is neutral and non-polar, at codon 1893 of the CUBN protein (p.Arg1893Gly). In summary, the available evidence is currently insufficient to determine the role of this variant in disease. Therefore, it has been classified as a Variant of Uncertain Significance. Advanced modeling of protein sequence and biophysical properties (such as structural, functional, and spatial information, amino acid conservation, physicochemical variation, residue mobility, and thermodynamic stability) has been performed at Invitae for this missense variant, however the output from this modeling did not meet the statistical confidence thresholds required to predict the impact of this variant on CUBN protein function. ClinVar contains an entry for this variant (Variation ID: 1972996). This variant has not been reported in the literature in individuals affected with CUBN-related conditions. This variant is not present in population databases (gnomAD no frequency).